The following is an entry in ClinVar:

NM_001292063.2(OTOG):c.2875C>T (p.Gln959Ter)

Gene: OTOG (otogelin; plus strand). Cytogenetic location: 11p15.1.
Variant type: single nucleotide variant.
Coding change: c.2875C>T on transcript NM_001292063.2 (MANE Select); coding-DNA position 2875, C replaced by T.
Protein change: p.Gln959Ter; replaces glutamine 959 with a stop codon.
Molecular consequence: nonsense.
Genome position (GRCh38, 1-based): chr11:17,591,457, C>T. VCF-style: chr11-17591457-C-T. GRCh37 (hg19) VCF-style: chr11-17613004-C-T.
Other names: c.2911C>T, p.Gln971Ter (NM_001277269.2); short protein forms Q971*, Q959*.
Identifiers: ClinVar variation 4992103 (VCV004992103.1).

ClinVar aggregate classification (germline): Likely pathogenic (1 of 4 stars; one submission).

Conditions:
OTOG-related disorder. Also called: OTOG-related condition.

Submission:

PreventionGenetics, part of Exact Sciences
Classification: Likely pathogenic for OTOG-related condition. Last evaluated: 2025-10-23. Review status: criteria provided, single submitter. Criteria: ACMG Guidelines, 2015. Collection method: clinical testing. Allele origin: germline.
Comment: The OTOG c.2911C>T variant is predicted to result in premature protein termination (p.Gln971*). To our knowledge, this variant has not been reported in the literature or in a large population database (gnomAD), indicating this variant is rare. Nonsense variants in OTOG are expected to be pathogenic. This variant is interpreted as likely pathogenic.